The following is an entry in ClinVar:

NM_000038.6(APC):c.6300T>C (p.Asp2100=)

Gene: APC (APC regulator of Wnt signaling pathway; plus strand). Cytogenetic location: 5q22.2.
Variant type: single nucleotide variant.
Coding change: c.6300T>C on transcript NM_000038.6 (MANE Select); coding-DNA position 6300, T replaced by C.
Protein change: p.Asp2100=; no amino-acid change (aspartic acid 2100 retained).
Molecular consequence: synonymous variant. On other transcripts: non-coding transcript variant (2).
Genome position (GRCh38, 1-based): chr5:112,841,894, T>C. VCF-style: chr5-112841894-T-C. GRCh37 (hg19) VCF-style: chr5-112177591-T-C.
Other names: c.6300T>C, p.Asp2100= (NM_001127510.3, NM_001354895.2, NM_001407450.1); c.6246T>C, p.Asp2082= (NM_001127511.3); c.6354T>C, p.Asp2118= (NM_001354896.2, NM_001407447.1, NM_001407448.1 and 1 more transcripts); c.6330T>C, p.Asp2110= (NM_001354897.2); c.6225T>C, p.Asp2075= (NM_001354898.2); c.6216T>C, p.Asp2072= (NM_001354899.2); c.6177T>C, p.Asp2059= (NM_001354900.2); c.6123T>C, p.Asp2041= (NM_001354901.2, NM_001407453.1); and 11 more.
Identifiers: ClinVar variation 1692274 (VCV001692274.10), dbSNP rs2149961786, ClinGen allele CA446209513.

ClinVar aggregate classification (germline): Benign/Likely benign. Review status: criteria provided, multiple submitters, no conflicts (2 of 4 stars). 5 submissions from 5 submitters: Benign (1); Likely benign (4). Last evaluated 2025-09-16.

Conditions:
Hereditary cancer-predisposing syndrome. Also called: Hereditary Cancer Syndrome; Hereditary neoplastic syndrome; Neoplastic Syndromes, Hereditary; Tumor predisposition. Identifiers: Orphanet 140162, MedGen C0027672, MeSH D009386, MONDO:0015356.
Classic or attenuated familial adenomatous polyposis. Identifiers: MedGen CN372698, MONDO:0021057.
Familial adenomatous polyposis 1 (FAP1). Also called: FAMILIAL ADENOMATOUS POLYPOSIS 1, ATTENUATED; POLYPOSIS, ADENOMATOUS INTESTINAL. Identifiers: MedGen C2713442, MONDO:0021056, OMIM 175100. Disease mechanism: loss of function.

Submissions (5):

Labcorp Genetics (formerly Invitae), Labcorp
Classification: Likely benign for Familial adenomatous polyposis 1. Last evaluated: 2025-09-16. Review status: criteria provided, single submitter. Criteria: Invitae Variant Classification Sherloc (09022015). Collection method: clinical testing. Allele origin: germline.

Myriad Genetics, Inc.
Classification: Benign for Familial adenomatous polyposis 1. Last evaluated: 2024-04-04. Review status: criteria provided, single submitter. Criteria: Myriad Autosomal Dominant, Autosomal Recessive and X-Linked Classification Criteria (2023). Collection method: clinical testing. Allele origin: unknown.
Comment: This variant is considered benign. This variant is a silent/synonymous amino acid change and it is not expected to impact splicing.

All of Us Research Program, National Institutes of Health
Classification: Likely benign for Classic or attenuated familial adenomatous polyposis. Last evaluated: 2023-01-10. Review status: criteria provided, single submitter. Criteria: ACMG Guidelines, 2015. Collection method: clinical testing. Allele origin: germline. Inheritance: Autosomal dominant inheritance. Observed: 1 variant allele, 1 heterozygote.
Comment: This study involves interpretation of variants in research participants for the purpose of population health screening. Participant phenotype was not available at the time of variant classification. Additional details can be found in publication PMID: 35346344, PMCID: PMC8962531

Ambry Genetics
Classification: Likely benign for Hereditary cancer-predisposing syndrome. Last evaluated: 2022-09-08. Review status: criteria provided, single submitter. Criteria: Ambry Variant Classification Scheme 2023. Collection method: clinical testing. Allele origin: germline.

Sema4
Classification: Likely benign for Hereditary cancer-predisposing syndrome. Last evaluated: 2021-11-17. Review status: criteria provided, single submitter. Criteria: Sema4 Curation Guidelines. Collection method: curation. Allele origin: germline.